The following is an entry in ClinVar:

NM_178857.6(RP1L1):c.4479C>G (p.Ala1493=)

Gene: RP1L1 (RP1 like 1). Cytogenetic location: 8p23.1.
Variant type: single nucleotide variant.
Coding change: c.4479C>G on transcript NM_178857.6 (MANE Select); coding-DNA position 4479, C replaced by G.
Protein change: p.Ala1493=; no amino-acid change (alanine 1493 retained).
Molecular consequence: synonymous variant.
Genome position (GRCh38, 1-based): chr8:10,609,619, G>C on the plus strand (C>G on the coding strand, the complement: RP1L1 is on the minus strand). VCF-style: chr8-10609619-G-C. GRCh37 (hg19) VCF-style: chr8-10467129-G-C.
Other names: c.4479C>G (NM_178857.5).
Identifiers: ClinVar variation 2673142 (VCV002673142.25), dbSNP rs374297123, ClinGen allele CA4624010.

ClinVar aggregate classification (germline): Likely benign. Review status: criteria provided, multiple submitters, no conflicts (2 of 4 stars). 3 submissions from 3 submitters: Likely benign (3). Last evaluated 2025-01-02.

Conditions:
RP1L1-related disorder. Also called: RP1L1-related condition.

Allele frequency attached by ClinVar (database versions not stated): ESP Exome Variant Server 0.00008; ExAC 0.00018; TOPMed 0.00029.
gnomAD v4.1: 284 of 1,607,312 alleles (0.018%); highest among the groups gnomAD compares: Admixed American, 0.08%; no homozygotes.

Submissions (3):

PreventionGenetics, part of Exact Sciences
Classification: Likely benign for RP1L1-related condition. Last evaluated: 2025-01-02. Review status: criteria provided, single submitter. Criteria: ACMG Guidelines, 2015. Collection method: clinical testing. Allele origin: germline.
Comment: This variant is classified as likely benign based on ACMG/AMP sequence variant interpretation guidelines (Richards et al. 2015 PMID: 25741868, with internal and published modifications).

Blueprint Genetics
Classification: Likely benign. Last evaluated: 2024-05-10. Review status: criteria provided, single submitter. Criteria: ACMG Guidelines, 2015. Collection method: clinical testing. Allele origin: germline.

CeGaT Center for Human Genetics Tuebingen
Classification: Likely benign. Last evaluated: 2023-11-01. Review status: criteria provided, single submitter. Criteria: CeGaT Center For Human Genetics Tuebingen Variant Classification Criteria Version 2. Collection method: clinical testing. Allele origin: germline. Affected: yes. Observed: 1 variant allele.
Comment: RP1L1: BP4, BP7